The following is an entry in ClinVar:

ClinVar aggregate classification (germline): Uncertain significance. Review status: criteria provided, multiple submitters, no conflicts (2 of 4 stars). 4 submissions from 4 submitters: Uncertain significance (4). Last evaluated 2026-01-12.

Conditions:
MYO7A-related disorder. Also called: MYO7A-related disorders.
Inborn genetic diseases. Identifiers: MedGen C0950123, MeSH D030342.

Allele frequency attached by ClinVar (database versions not stated): ExAC 0.00001; TOPMed 0.00001.

Submissions (4):

PreventionGenetics, part of Exact Sciences
Classification: Uncertain significance for MYO7A-related condition. Last evaluated: 2026-01-12. Review status: criteria provided, single submitter. Criteria: ACMG Guidelines, 2015. Collection method: clinical testing. Allele origin: germline.
Comment: The MYO7A c.1222G>A variant is predicted to result in the amino acid substitution p.Val408Met. To our knowledge, this variant has not been reported in the literature. This variant is reported in 0.014% of alleles in individuals of African descent in gnomAD. At this time, the clinical significance of this variant is uncertain due to the absence of conclusive functional and genetic evidence.

Ambry Genetics
Classification: Uncertain significance for Inborn genetic diseases. Last evaluated: 2025-09-26. Review status: criteria provided, single submitter. Criteria: Ambry Variant Classification Scheme 2023. Collection method: clinical testing. Allele origin: germline.

GeneDx
Classification: Uncertain significance. Last evaluated: 2024-12-04. Review status: criteria provided, single submitter. Criteria: GeneDx Variant Classification Process June 2021. Collection method: clinical testing. Allele origin: germline. Affected: yes.
Comment: In silico analysis indicates that this missense variant does not alter protein structure/function; Has not been previously published as pathogenic or benign to our knowledge

Labcorp Genetics (formerly Invitae), Labcorp
Classification: Uncertain significance. Last evaluated: 2024-04-30. Review status: criteria provided, single submitter. Criteria: Invitae Variant Classification Sherloc (09022015). Collection method: clinical testing. Allele origin: germline.
Comment: This sequence change replaces valine, which is neutral and non-polar, with methionine, which is neutral and non-polar, at codon 408 of the MYO7A protein (p.Val408Met). This variant is present in population databases (rs782797465, gnomAD 0.01%). This variant has not been reported in the literature in individuals affected with MYO7A-related conditions. ClinVar contains an entry for this variant (Variation ID: 1523828). Advanced modeling of protein sequence and biophysical properties (such as structural, functional, and spatial information, amino acid conservation, physicochemical variation, residue mobility, and thermodynamic stability) performed at Invitae indicates that this missense variant is not expected to disrupt MYO7A protein function with a negative predictive value of 95%. In summary, the available evidence is currently insufficient to determine the role of this variant in disease. Therefore, it has been classified as a Variant of Uncertain Significance.

NM_000260.4(MYO7A):c.1222G>A (p.Val408Met)

Gene: MYO7A (myosin VIIA; plus strand). Cytogenetic location: 11q13.5.
Variant type: single nucleotide variant.
Coding change: c.1222G>A on transcript NM_000260.4 (MANE Select); coding-DNA position 1222, G replaced by A.
Protein change: p.Val408Met; replaces valine 408 with methionine.
Molecular consequence: missense variant.
Genome position (GRCh38, 1-based): chr11:77,160,994, G>A. VCF-style: chr11-77160994-G-A. GRCh37 (hg19) VCF-style: chr11-76872040-G-A.
Other names: c.1222G>A (NM_000260.3); c.1222G>A, p.Val408Met (NM_001127180.2); c.1189G>A, p.Val397Met (NM_001369365.1); short protein forms V408M, V397M.
Identifiers: ClinVar variation 1523828 (VCV001523828.8), dbSNP rs782797465, ClinGen allele CA6197432.